The following is an entry in ClinVar:

ClinVar aggregate classification (germline): Uncertain significance (1 of 4 stars; one submission).

Conditions:
Immunodeficiency. Identifiers: MedGen C0021051, MONDO:0021094, HP:0002721.

Submission:

Labcorp Genetics (formerly Invitae), Labcorp
Classification: Uncertain significance for Immunodeficiency. Last evaluated: 2022-12-03. Review status: criteria provided, single submitter. Criteria: Invitae Variant Classification Sherloc (09022015). Collection method: clinical testing. Allele origin: germline.
Comment: In summary, the available evidence is currently insufficient to determine the role of this variant in disease. Therefore, it has been classified as a Variant of Uncertain Significance. Algorithms developed to predict the effect of missense changes on protein structure and function are either unavailable or do not agree on the potential impact of this missense change (SIFT: "Tolerated"; PolyPhen-2: "Probably Damaging"; Align-GVGD: "Class C0"). ClinVar contains an entry for this variant (Variation ID: 1720714). This variant has not been reported in the literature in individuals affected with NFAT5-related conditions. This variant is not present in population databases (gnomAD no frequency). This sequence change replaces glutamine, which is neutral and polar, with lysine, which is basic and polar, at codon 1051 of the NFAT5 protein (p.Gln1051Lys).

NM_138713.4(NFAT5):c.3433C>A (p.Gln1145Lys)

Gene: NFAT5 (nuclear factor of activated T cells 5; plus strand). Cytogenetic location: 16q22.1.
Variant type: single nucleotide variant.
Coding change: c.3433C>A on transcript NM_138713.4 (MANE Select); coding-DNA position 3433, C replaced by A.
Protein change: p.Gln1145Lys; replaces glutamine 1145 with lysine.
Molecular consequence: missense variant.
Genome position (GRCh38, 1-based): chr16:69,693,258, C>A. VCF-style: chr16-69693258-C-A. GRCh37 (hg19) VCF-style: chr16-69727161-C-A.
Other names: c.3430C>A, p.Gln1144Lys (NM_001113178.3); c.2758C>A, p.Gln920Lys (NM_001367709.1); c.3379C>A, p.Gln1127Lys (NM_006599.4); c.3151C>A, p.Gln1051Lys (NM_138714.4, NM_173214.3, NM_173215.3); short protein forms Q1051K, Q1127K, Q1144K, Q1145K, Q920K.
Identifiers: ClinVar variation 1720714 (VCV001720714.5), dbSNP rs2544245665, ClinGen allele CA396512996.